The following is an entry in ClinVar:

NM_001374736.1(DST):c.12078T>C (p.Asp4026=)

Gene: DST (dystonin; minus strand). Cytogenetic location: 6p12.1.
Variant type: single nucleotide variant.
Coding change: c.12078T>C on transcript NM_001374736.1 (MANE Select); coding-DNA position 12078, T replaced by C.
Protein change: p.Asp4026=; no amino-acid change (aspartic acid 4026 retained).
Molecular consequence: synonymous variant.
Genome position (GRCh38, 1-based): chr6:56,597,857, A>G on the plus strand (T>C on the coding strand, the complement: DST is on the minus strand). VCF-style: chr6-56597857-A-G. GRCh37 (hg19) VCF-style: chr6-56462655-A-G.
Other names: c.5187T>C, p.Asp1729= (NM_001374730.1, NM_001386100.1, NM_183380.4); c.12105T>C, p.Asp4035= (NM_001374734.1); c.4209T>C, p.Asp1403= (NM_015548.5); c.5721T>C, p.Asp1907= (NM_001144769.5); c.5307T>C, p.Asp1769= (NM_001144770.2); c.12078T>C, p.Asp4026= (NM_001374722.1); c.11445T>C, p.Asp3815= (NM_001374729.1).
Identifiers: ClinVar variation 2022554 (VCV002022554.4), dbSNP rs2536233704, ClinGen allele CA450489490.

ClinVar aggregate classification (germline): Uncertain significance (1 of 4 stars; one submission).

Conditions:
Epidermolysis bullosa simplex 3, localized or generalized intermediate, with BP230 deficiency (EBS3). Also called: Epidermolysis bullosa simplex, autosomal recessive 2; Epidermolysis bullosa simplex due to BP230 deficiency. Identifiers: Orphanet 412181, MedGen C3809470, MONDO:0014180, OMIM 615425.
Hereditary sensory and autonomic neuropathy type 6. Also called: Neuropathy, hereditary sensory and autonomic, type VI; HSAN VI. Identifiers: Orphanet 314381, MedGen C3539003, MONDO:0013839, OMIM 614653.

Submission:

Labcorp Genetics (formerly Invitae), Labcorp
Classification: Uncertain significance for Epidermolysis bullosa simplex 3, localized or generalized intermediate, with BP230 deficiency; Hereditary sensory and autonomic neuropathy type 6. Last evaluated: 2023-08-10. Review status: criteria provided, single submitter. Criteria: Invitae Variant Classification Sherloc (09022015). Collection method: clinical testing. Allele origin: germline.
Comment: The DST gene has multiple clinically relevant transcripts. This variant occurs in alternate transcript NM_015548.4, and corresponds to NM_001723.5:c.*17660T>C in the primary transcript. This sequence change affects codon 1403 of the DST mRNA. It is a 'silent' change, meaning that it does not change the encoded amino acid sequence of the DST protein. This variant is not present in population databases (gnomAD no frequency). This variant has not been reported in the literature in individuals affected with DST-related conditions. Experimental studies and prediction algorithms are not available or were not evaluated, and the effect of this variant on mRNA splicing is currently unknown. In summary, the available evidence is currently insufficient to determine the role of this variant in disease. Therefore, it has been classified as a Variant of Uncertain Significance.